The following is an entry in ClinVar:

ClinVar aggregate classification (germline): Pathogenic. Review status: criteria provided, multiple submitters, no conflicts (2 of 4 stars). 6 submissions from 6 submitters: Pathogenic (6). Last evaluated 2025-09-29.

Conditions:
MYO7A-related disorder. Also called: MYO7A-related disorders.
Autosomal dominant nonsyndromic hearing loss 11. Identifiers: Orphanet 90635, MedGen C1832475, MONDO:0011032, OMIM 601317.
Usher syndrome type 1 (USH1). Also called: RETINITIS PIGMENTOSA AND CONGENITAL DEAFNESS. Identifiers: Orphanet 231169, Orphanet 886, MedGen C1568247, MONDO:0010168, OMIM 276900.
Autosomal recessive nonsyndromic hearing loss 2. Also called: NEUROSENSORY NONSYNDROMIC RECESSIVE DEAFNESS 2; DEAFNESS, AUTOSOMAL RECESSIVE 2. Identifiers: Orphanet 90636, MedGen C1838701, MONDO:0010807, OMIM 600060.
Hearing loss. Identifiers: MedGen C3887873.
Usher syndrome type 1B (USH1B). Also called: Usher syndrome type IB. Identifiers: MedGen C1848638, MONDO:0700087.

Allele frequency attached by ClinVar (database versions not stated): TOPMed below 0.00001; gnomAD 0.00001; gnomAD exomes 0.00004.

Submissions (6):

GeneDx
Classification: Pathogenic. Last evaluated: 2025-09-29. Review status: criteria provided, single submitter. Criteria: GeneDx Variant Classification Process June 2021. Collection method: clinical testing. Allele origin: germline. Affected: yes.
Comment: Frameshift variant predicted to result in protein truncation or nonsense mediated decay in a gene for which loss of function is a known mechanism of disease; Not observed at significant frequency in large population cohorts (gnomAD); This variant is associated with the following publications: (PMID: 9259201, 38219857, 36284670, 15660226, 22135276)

Natera, Inc.
Classification: Pathogenic for Usher syndrome type 1B. Last evaluated: 2025-07-29. Review status: criteria provided, single submitter. Criteria: Natera Variant Classification Schema (03/2026). Collection method: clinical testing. Allele origin: germline.
Comment: The c.1563delC variant in MYO7A is a frameshift variant predicted to shift the reading frame beginning at codon 521 and leads to a stop codon 8 codons downstream. This variant is expected to result in nonsense mediated decay, truncation, or a dysfunctional protein product. This variant is rare in the general population with a frequency below the threshold expected for the associated phenotype(s). This variant has been observed in one or more individuals affected with the associated recessive disease, as either homozygous or compound heterozygous with a second variant (PMID: 22135276, 36284670). Given the available evidence, this variant is classified as Pathogenic.

Fulgent Genetics
Classification: Pathogenic for Usher syndrome type 1; Autosomal recessive nonsyndromic hearing loss 2; Autosomal dominant nonsyndromic hearing loss 11. Last evaluated: 2024-04-27. Review status: criteria provided, single submitter. Criteria: ACMG Guidelines, 2015. Collection method: clinical testing. Allele origin: germline.

Labcorp Genetics (formerly Invitae), Labcorp
Classification: Pathogenic. Last evaluated: 2023-08-16. Review status: criteria provided, single submitter. Criteria: Invitae Variant Classification Sherloc (09022015). Collection method: clinical testing. Allele origin: germline.
Comment: This sequence change creates a premature translational stop signal (p.Asp521Glufs*8) in the MYO7A gene. It is expected to result in an absent or disrupted protein product. Loss-of-function variants in MYO7A are known to be pathogenic (PMID: 8900236, 25404053). For these reasons, this variant has been classified as Pathogenic. ClinVar contains an entry for this variant (Variation ID: 419644). This variant is also known as a single basepair deletion in the 426th codon. This premature translational stop signal has been observed in individual(s) with MYO7A-related conditions (PMID: 9259201). This variant is not present in population databases (gnomAD no frequency).

Knight Diagnostic Laboratories, Oregon Health and Sciences University
Classification: Pathogenic for Hearing loss. Last evaluated: 2019-08-15. Review status: criteria provided, single submitter. Criteria: ACMG Guidelines, 2015. Collection method: clinical testing. Allele origin: germline. Observed: 1 variant allele.

Blueprint Genetics
Classification: Pathogenic for MYO7A-related disorders. Last evaluated: 2019-01-14. Review status: criteria provided, single submitter. Criteria: ACMG Guidelines, 2015. Collection method: clinical testing. Allele origin: germline. Affected: yes. Observed: 1 variant allele.

Literature cited by the submitters: PubMed 22135276 (cited by Natera, Inc.); PubMed 36284670 (cited by Natera, Inc.); PubMed 8900236 (cited by Labcorp Genetics (formerly Invitae), Labcorp); PubMed 25404053 (cited by Labcorp Genetics (formerly Invitae), Labcorp); PubMed 9259201 (cited by Labcorp Genetics (formerly Invitae), Labcorp).

NM_000260.4(MYO7A):c.1563del (p.Asp521fs)

Gene: MYO7A (myosin VIIA; plus strand). Cytogenetic location: 11q13.5.
Variant type: Deletion.
Coding change: c.1563del on transcript NM_000260.4 (MANE Select); coding-DNA position 1563, one base deleted (C; older notation c.1563delC).
Protein change: p.Asp521fs; shifts the reading frame from aspartic acid 521.
Molecular consequence: frameshift variant.
Genome position (GRCh38, 1-based): chr11:77,162,861, C deleted. VCF-style (leftmost placement, unchanged base first): chr11-77162860-AC-A. GRCh37 (hg19) VCF-style: chr11-76873906-AC-A.
Other names: c.1563del, p.Asp521fs (NM_001127180.2); c.1530del, p.Asp510fs (NM_001369365.1); c.1563del (NM_000260.3); short protein forms D521fs, D510fs.
Identifiers: ClinVar variation 419644 (VCV000419644.15), dbSNP rs1064794012, ClinGen allele CA16619410.